The following is an entry in ClinVar:

ClinVar aggregate classification (germline): Conflicting classifications of pathogenicity. Review status: criteria provided, conflicting classifications (1 of 4 stars). 5 submissions from 5 submitters: Uncertain significance (1); Benign (1); Likely benign (2). 1 of the submissions does not count toward it. Last evaluated 2025-10-15.

Conditions:
Nephrolithiasis, calcium oxalate. Also called: Calcium oxalate urolithiasis. Identifiers: MedGen C1833683, MONDO:0957318, HP:0008672.
SLC26A1-related disorder. Also called: SLC26A1-related condition.

Allele frequency attached by ClinVar (database versions not stated): gnomAD exomes 0.00037; ExAC 0.00075; ESP Exome Variant Server 0.00139; TOPMed 0.00145; 1000 Genomes Project 0.00260; 1000 Genomes Project 30x 0.00281.
gnomAD v4.1: 552 of 1,598,818 alleles (0.035%); highest among the groups gnomAD compares: Middle Eastern, 0.63%; 9 homozygotes.

Submissions (5):

Labcorp Genetics (formerly Invitae), Labcorp
Classification: Likely benign. Last evaluated: 2025-10-15. Review status: criteria provided, single submitter. Criteria: Invitae Variant Classification Sherloc (09022015). Collection method: clinical testing. Allele origin: germline.

CeGaT Center for Human Genetics Tuebingen
Classification: Likely benign. Last evaluated: 2025-09-01. Review status: criteria provided, single submitter. Criteria: CeGaT Center For Human Genetics Tuebingen Variant Classification Criteria Version 2. Collection method: clinical testing. Allele origin: germline. Affected: yes. Observed: 1 variant allele.
Comment: SLC26A1: BS2

Dubai Health Genomic Medicine Center, Dubai Health
Classification: Benign. Last evaluated: 2020-03-25. Review status: criteria provided, single submitter. Criteria: ACMG Guidelines, 2015. Collection method: clinical testing. Allele origin: germline. Affected: yes.

Baylor Genetics
Classification: Uncertain significance for Nephrolithiasis susceptibility caused by SLC26A1. Last evaluated: 2019-10-25. Review status: criteria provided, single submitter. Criteria: ACMG Guidelines, 2015. Collection method: clinical testing. Allele origin: unknown. Affected: yes.
Comment: This variant was determined to be of uncertain significance according to ACMG Guidelines, 2015 [PMID:25741868].

PreventionGenetics, part of Exact Sciences
Classification: Likely benign for SLC26A1-related condition. Last evaluated: 2020-10-21. Review status: no assertion criteria provided. Collection method: clinical testing. Allele origin: germline. Not counted in ClinVar's aggregate classification.
Comment: This variant is classified as likely benign based on ACMG/AMP sequence variant interpretation guidelines (Richards et al. 2015 PMID: 25741868, with internal and published modifications).

NM_000203.5(IDUA):c.299+988C>T

Genes: IDUA (alpha-L-iduronidase; plus strand), SLC26A1 (solute carrier family 26 member 1; minus strand). Cytogenetic location: 4p16.3.
Variant type: single nucleotide variant.
Coding change: c.299+988C>T on transcript NM_000203.5 (MANE Select); 988 bases into the intron after coding-DNA position 299, C replaced by T.
Molecular consequence: intron variant. On other transcripts: missense variant (2).
Genome position (GRCh38, 1-based): chr4:988,937, C>T. VCF-style: chr4-988937-C-T. GRCh37 (hg19) VCF-style: chr4-982725-C-T.
Other names: c.2002G>A, p.Gly668Arg (NM_022042.4, NM_213613.4); c.576+2191G>A (NM_134425.4); short protein forms G668R.
Identifiers: ClinVar variation 720732 (VCV000720732.22), dbSNP rs142262555, ClinGen allele CA2801200.